The following is an entry in ClinVar:

NM_000435.3(NOTCH3):c.1235A>G (p.Gln412Arg)

Gene: NOTCH3 (notch receptor 3; minus strand). Cytogenetic location: 19p13.12.
Variant type: single nucleotide variant.
Coding change: c.1235A>G on transcript NM_000435.3 (MANE Select); coding-DNA position 1235, A replaced by G.
Protein change: p.Gln412Arg; replaces glutamine 412 with arginine.
Molecular consequence: missense variant.
Genome position (GRCh38, 1-based): chr19:15,189,132, T>C on the plus strand (A>G on the coding strand, the complement: NOTCH3 is on the minus strand). VCF-style: chr19-15189132-T-C. GRCh37 (hg19) VCF-style: chr19-15299943-T-C.
Other names: p.Gln412Arg; short protein forms Q412R.
Identifiers: ClinVar variation 430381 (VCV000430381.4), dbSNP rs1131691934, ClinGen allele CA404528303.

ClinVar aggregate classification (germline): Uncertain significance. Review status: criteria provided, multiple submitters, no conflicts (2 of 4 stars). 2 submissions from 2 submitters: Uncertain significance (2). Last evaluated 2026-02-05.

Submissions (2):

GeneDx
Classification: Uncertain significance. Last evaluated: 2026-02-05. Review status: criteria provided, single submitter. Criteria: GeneDx Variant Classification Process June 2021. Collection method: clinical testing. Allele origin: germline. Affected: yes.
Comment: Not observed at significant frequency in large population cohorts (gnomAD); In silico analysis suggests that this missense variant does not alter protein structure/function; Has not been previously published as pathogenic or benign to our knowledge

Mayo Clinic Laboratories, Mayo Clinic
Classification: Uncertain significance. Last evaluated: 2025-11-28. Review status: criteria provided, single submitter. Criteria: ACMG Guidelines, 2015. Collection method: clinical testing. Allele origin: germline. Observed: 1 variant allele.
Comment: BP1, PP2, PM2_supporting